The following is an entry in ClinVar:

NM_014875.3(KIF14):c.-115-2A>T

Gene: KIF14 (kinesin family member 14; minus strand). Cytogenetic location: 1q32.1.
Variant type: single nucleotide variant.
Coding change: c.-115-2A>T on transcript NM_014875.3 (MANE Select); the canonical splice acceptor site of the intron before 115 bases upstream of the start codon, A replaced by T.
Molecular consequence: splice acceptor variant.
Genome position (GRCh38, 1-based): chr1:200,618,840, T>A on the plus strand (A>T on the coding strand, the complement: KIF14 is on the minus strand). VCF-style: chr1-200618840-T-A. GRCh37 (hg19) VCF-style: chr1-200587968-T-A.
Identifiers: ClinVar variation 3896348 (VCV003896348.2).
Genomic context (GRCh38, chr1:200,618,840, plus strand): 5'-GACATTCATTTGATTTCCAGCCATTTCTTATGTATCCATTTCTGAAAGTATCTGCTAAAC[T>A]AAAAGAAAAAAAAAAGATTTAGATCACACAGACTACAAACAAGCTTTAAAAATATAGAGA-3'

ClinVar aggregate classification (germline): Uncertain significance (1 of 4 stars; one submission).

Submission:

Women's Health and Genetics/Laboratory Corporation of America, LabCorp
Classification: Uncertain significance. Last evaluated: 2025-04-10. Review status: criteria provided, single submitter. Criteria: LabCorp Variant Classification Summary - May 2015. Collection method: clinical testing. Allele origin: germline.
Comment: Variant summary: KIF14 c.-115-2A>T is located in the untranslated mRNA region upstream of the initiation codon. Several computational tools predict a significant impact on normal splicing: Four predict the variant abolishes a 3' acceptor site. Three predict the variant strengthens a cryptic 3' acceptor site. However, these predictions have yet to be confirmed by functional studies. The variant allele was found at a frequency of 0.00012 in 784338 control chromosomes (gnomAD v.4.1.0). This frequency is not significantly higher than estimated for a pathogenic variant in KIF14 causing Joubert Syndrome and Related Disorders (0.00012 vs 0.0004), allowing no conclusion about variant significance. To our knowledge, no occurrence of c.-115-2A>T in individuals affected with Joubert Syndrome and Related Disorders and no experimental evidence demonstrating its impact on protein function have been reported. No submitters have cited clinical-significance assessments for this variant to ClinVar. Based on the evidence outlined above, the variant was classified as uncertain significance.